The following is an entry in ClinVar:

NM_000170.3(GLDC):c.1339A>T (p.Lys447Ter)

Gene: GLDC (glycine decarboxylase; minus strand). Cytogenetic location: 9p24.1.
Variant type: single nucleotide variant.
Coding change: c.1339A>T on transcript NM_000170.3 (MANE Select); coding-DNA position 1339, A replaced by T.
Protein change: p.Lys447Ter; replaces lysine 447 with a stop codon.
Molecular consequence: nonsense.
Genome position (GRCh38, 1-based): chr9:6,592,913, T>A on the plus strand (A>T on the coding strand, the complement: GLDC is on the minus strand). VCF-style: chr9-6592913-T-A. GRCh37 (hg19) VCF-style: chr9-6592913-T-A.
Other names: short protein forms K447*.
Identifiers: ClinVar variation 984005 (VCV000984005.3), dbSNP rs1818405533, ClinGen allele CA372894019.
Genomic context (GRCh38, chr9:6,592,913, plus strand): 5'-TGCCATCCTCAAAAAGCCGAAAATTGATCTGCCGCTGAGCGGCCCTGCCCAAGACCTCCT[T>A]CACTGAGCAGCCACACTGAATCTTCAAGGTATCAAAGAACAGGTCATGCTGGAGTTGATG-3'

ClinVar aggregate classification (germline): Likely pathogenic (1 of 4 stars; one submission).

Conditions:
Glycine encephalopathy. Also called: Non-ketotic hyperglycinemia; Nonketotic hyperglycinemia. Identifiers: Orphanet 407, MedGen C0751748, MONDO:0011612, HP:0008288.

Submission:

Myriad Genetics, Inc.
Classification: Likely pathogenic for Glycine encephalopathy 1. Last evaluated: 2019-12-04. Review status: criteria provided, single submitter. Criteria: Myriad Women's Health Autosomal Recessive and X-Linked Classification Criteria (2019). Collection method: clinical testing. Allele origin: unknown.
Comment: NM_000170.2(GLDC):c.1339A>T(K447*) is expected to be pathogenic in the context of GLDC-related glycine encephalopathy. This variant is predicted to lead to an abnormal or absent protein product due to the creation of a premature termination codon in GLDC, a gene where loss-of-function variants are known to be pathogenic. Please note: this variant was assessed in the context of healthy population screening.